The following is an entry in ClinVar:

NM_000834.5(GRIN2B):c.2703G>A (p.Leu901=)

Gene: GRIN2B (glutamate ionotropic receptor NMDA type subunit 2B; minus strand). Cytogenetic location: 12p13.1.
Variant type: single nucleotide variant.
Coding change: c.2703G>A on transcript NM_000834.5 (MANE Select); coding-DNA position 2703, G replaced by A.
Protein change: p.Leu901=; no amino-acid change (leucine 901 retained).
Molecular consequence: synonymous variant.
Genome position (GRCh38, 1-based): chr12:13,564,535, C>T on the plus strand (G>A on the coding strand, the complement: GRIN2B is on the minus strand). VCF-style: chr12-13564535-C-T. GRCh37 (hg19) VCF-style: chr12-13717469-C-T.
Identifiers: ClinVar variation 245621 (VCV000245621.23), dbSNP rs145005918, ClinGen allele CA6460994.

ClinVar aggregate classification (germline): Benign/Likely benign. Review status: criteria provided, multiple submitters, no conflicts (2 of 4 stars). 5 submissions from 5 submitters: Benign (2); Likely benign (3). Last evaluated 2026-01-19.

Conditions:
Inborn genetic diseases. Identifiers: MedGen C0950123, MeSH D030342.
Intellectual developmental disorder, autosomal dominant 6, with or without seizures. Also called: Intellectual disability, autosomal dominant 6; GRIN2B-related developmental delay, intellectual disability and autism spectrum disorder. Identifiers: Orphanet 589547, MedGen C3151411, MONDO:0013509, OMIM 613970.
Developmental and epileptic encephalopathy, 27 (DEE27). Also called: Epileptic encephalopathy, early infantile, 27; GRIN2B-Related Neurodevelopmental Disorder. Identifiers: Orphanet 3451, MedGen C4015316, MONDO:0014505, OMIM 616139.

Allele frequency attached by ClinVar (database versions not stated): gnomAD exomes 0.00018 and 0.00070; gnomAD 0.00025 and 0.00026; TOPMed 0.00038; ExAC 0.00067; ESP Exome Variant Server 0.00069.
gnomAD v4.1: 315 of 1,614,142 alleles (0.02%); highest among the groups gnomAD compares: Admixed American, 0.22%; 5 homozygotes.

Submissions (5):

Labcorp Genetics (formerly Invitae), Labcorp
Classification: Benign for Developmental and epileptic encephalopathy, 27; Intellectual developmental disorder, autosomal dominant 6, with or without seizures. Last evaluated: 2026-01-19. Review status: criteria provided, single submitter. Criteria: Invitae Variant Classification Sherloc (09022015). Collection method: clinical testing. Allele origin: germline.

CeGaT Center for Human Genetics Tuebingen
Classification: Likely benign. Last evaluated: 2025-09-01. Review status: criteria provided, single submitter. Criteria: CeGaT Center For Human Genetics Tuebingen Variant Classification Criteria Version 2. Collection method: clinical testing. Allele origin: germline. Affected: yes. Observed: 1 variant allele.
Comment: GRIN2B: BP4, BP7

Blueprint Genetics
Classification: Likely benign. Last evaluated: 2024-09-09. Review status: criteria provided, single submitter. Criteria: ACMG Guidelines, 2015. Collection method: clinical testing. Allele origin: germline.

GeneDx
Classification: Benign. Last evaluated: 2017-01-19. Review status: criteria provided, single submitter. Criteria: GeneDx Variant Classification (06012015). Collection method: clinical testing. Allele origin: germline. Affected: yes.
Comment: This variant is considered likely benign or benign based on one or more of the following criteria: it is a conservative change, it occurs at a poorly conserved position in the protein, it is predicted to be benign by multiple in silico algorithms, and/or has population frequency not consistent with disease.

Ambry Genetics
Classification: Likely benign for Inborn genetic diseases. Last evaluated: 2016-07-07. Review status: criteria provided, single submitter. Criteria: Ambry Variant Classification Scheme 2023. Collection method: clinical testing. Allele origin: germline.